The following is an entry in ClinVar:

ClinVar aggregate classification (germline): Uncertain significance (1 of 4 stars; one submission).

gnomAD v4.1: 1 of 1,614,146 alleles (0.000062%); highest among the groups gnomAD compares: South Asian, 0.0011%; no homozygotes.

Submission:

GeneDx
Classification: Uncertain significance. Last evaluated: 2020-07-14. Review status: criteria provided, single submitter. Criteria: GeneDx Variant Classification Process June 2021. Collection method: clinical testing. Allele origin: germline. Affected: yes.
Comment: Has not been previously published as pathogenic or benign to our knowledge; Not observed in large population cohorts (Lek et al., 2016); In silico analysis supports that this missense variant has a deleterious effect on protein structure/function

NM_006946.4(SPTBN2):c.725A>G (p.Asn242Ser)

Gene: SPTBN2 (spectrin beta, non-erythrocytic 2; minus strand). Cytogenetic location: 11q13.2.
Variant type: single nucleotide variant.
Coding change: c.725A>G on transcript NM_006946.4 (MANE Select); coding-DNA position 725, A replaced by G.
Protein change: p.Asn242Ser; replaces asparagine 242 with serine.
Molecular consequence: missense variant.
Genome position (GRCh38, 1-based): chr11:66,713,678, T>C on the plus strand (A>G on the coding strand, the complement: SPTBN2 is on the minus strand). VCF-style: chr11-66713678-T-C. GRCh37 (hg19) VCF-style: chr11-66481149-T-C.
Other names: short protein forms N242S.
Identifiers: ClinVar variation 1313010 (VCV001313010.2), dbSNP rs1941997379, ClinGen allele CA381482957.